The following is an entry in ClinVar:

ClinVar aggregate classification (germline): Conflicting classifications of pathogenicity. Review status: criteria provided, conflicting classifications (1 of 4 stars). 6 submissions from 5 submitters: Uncertain significance (4); Benign (1); Likely benign (1). Last evaluated 2026-04-02.

Conditions:
Aortic valve disease 1 (AOVD1). Identifiers: MedGen C3887892, MONDO:0024523, OMIM 109730.
Adams-Oliver syndrome 5 (AOS5). Identifiers: Orphanet 974, MedGen C4014970, MONDO:0014459, OMIM 616028.
Familial thoracic aortic aneurysm and aortic dissection (TAAD). Also called: Thoracic aortic aneurysms and dissections. Identifiers: Orphanet 91387, MedGen C4707243, MONDO:0019625.

Allele frequency attached by ClinVar (database versions not stated): ExAC 0.00001; gnomAD exomes 0.00001; TOPMed 0.00001.
gnomAD v4.1: 11 of 1,609,982 alleles (0.00068%); highest among the groups gnomAD compares: Admixed American, 0.0067%; no homozygotes.

Submissions (6):

Ambry Genetics
Classification: Likely benign for Familial thoracic aortic aneurysm and aortic dissection. Last evaluated: 2026-04-02. Review status: criteria provided, single submitter. Criteria: Ambry Variant Classification Scheme 2023. Collection method: clinical testing. Allele origin: germline.

Labcorp Genetics (formerly Invitae), Labcorp
Classification: Benign for Adams-Oliver syndrome 5. Last evaluated: 2025-08-26. Review status: criteria provided, single submitter. Criteria: Invitae Variant Classification Sherloc (09022015). Collection method: clinical testing. Allele origin: germline.

Blueprint Genetics
Classification: Uncertain significance. Last evaluated: 2023-12-28. Review status: criteria provided, single submitter. Criteria: ACMG Guidelines, 2015. Collection method: clinical testing. Allele origin: germline.

Genome-Nilou Lab
Classification: Uncertain significance for Adams-Oliver syndrome 5. Last evaluated: 2022-03-15. Review status: criteria provided, single submitter. Criteria: ACMG Guidelines, 2015. Collection method: clinical testing. Allele origin: germline. Affected: no.

Genome-Nilou Lab
Classification: Uncertain significance for Aortic valve disease 1. Last evaluated: 2022-03-15. Review status: criteria provided, single submitter. Criteria: ACMG Guidelines, 2015. Collection method: clinical testing. Allele origin: germline. Affected: no.

Baylor Genetics
Classification: Uncertain significance for Aortic valve disease 1. Last evaluated: 2018-09-25. Review status: criteria provided, single submitter. Criteria: ACMG Guidelines, 2015. Collection method: clinical testing. Allele origin: paternal. Affected: yes.
Comment: This variant was determined to be of uncertain significance according to ACMG Guidelines, 2015 [PMID:25741868].

NM_017617.5(NOTCH1):c.5784C>T (p.Gly1928=)

Gene: NOTCH1 (notch receptor 1; minus strand). Cytogenetic location: 9q34.3.
Variant type: single nucleotide variant.
Coding change: c.5784C>T on transcript NM_017617.5 (MANE Select); coding-DNA position 5784, C replaced by T.
Protein change: p.Gly1928=; no amino-acid change (glycine 1928 retained).
Molecular consequence: synonymous variant.
Genome position (GRCh38, 1-based): chr9:136,500,702, G>A on the plus strand (C>T on the coding strand, the complement: NOTCH1 is on the minus strand). VCF-style: chr9-136500702-G-A. GRCh37 (hg19) VCF-style: chr9-139395154-G-A.
Other names: c.5784C>T, p.Gly1928= (LRG_1122t1).
Identifiers: ClinVar variation 477950 (VCV000477950.13), dbSNP rs773571672, ClinGen allele CA5340128.